The following is an entry in ClinVar:

ClinVar aggregate classification (germline): Conflicting classifications of pathogenicity. Review status: criteria provided, conflicting classifications (1 of 4 stars). 4 submissions from 3 submitters: Uncertain significance (2); Likely benign (1). 1 of the submissions does not count toward it. Last evaluated 2026-01-15.

Conditions:
WFS1-related disorder. Identifiers: MedGen CN379391, MONDO:0700293.
WFS1-Related Spectrum Disorders.
Autosomal dominant nonsyndromic hearing loss 6 (LFSNHL). Also called: DIDMOAD (Diabetes Insipidus, Diabetes Mellitus, Optic Atrophy, and Deafness); DEAFNESS, AUTOSOMAL DOMINANT 14; DEAFNESS, AUTOSOMAL DOMINANT 38; DEAFNESS, AUTOSOMAL DOMINANT 6; Autosomal dominant nonsyndromic deafness 6. Identifiers: Orphanet 90635, MedGen C1833021, MONDO:0010963, OMIM 600965.

gnomAD v4.1: 27 of 1,604,954 alleles (0.0017%); highest among the groups gnomAD compares: Admixed American, 0.0084%; no homozygotes.

Submissions (4):

Labcorp Genetics (formerly Invitae), Labcorp
Classification: Likely benign. Last evaluated: 2026-01-15. Review status: criteria provided, single submitter. Criteria: Invitae Variant Classification Sherloc (09022015). Collection method: clinical testing. Allele origin: germline.

Illumina Laboratory Services, Illumina
Classification: Uncertain significance for Autosomal dominant nonsyndromic hearing loss 6. Last evaluated: 2017-04-28. Review status: criteria provided, single submitter. Criteria: ICSL Variant Classification Criteria 13 December 2019. Collection method: clinical testing. Allele origin: germline.

Illumina Laboratory Services, Illumina
Classification: Uncertain significance for WFS1-Related Spectrum Disorders. Last evaluated: 2017-04-28. Review status: criteria provided, single submitter. Criteria: ICSL Variant Classification Criteria 13 December 2019. Collection method: clinical testing. Allele origin: germline.

PreventionGenetics, part of Exact Sciences
Classification: Likely benign for WFS1-related condition. Last evaluated: 2020-10-28. Review status: no assertion criteria provided. Collection method: clinical testing. Allele origin: germline. Not counted in ClinVar's aggregate classification.
Comment: This variant is classified as likely benign based on ACMG/AMP sequence variant interpretation guidelines (Richards et al. 2015 PMID: 25741868, with internal and published modifications).

NM_006005.3(WFS1):c.2466C>T (p.Leu822=)

Gene: WFS1 (wolframin ER transmembrane glycoprotein; plus strand). Cytogenetic location: 4p16.1.
Variant type: single nucleotide variant.
Coding change: c.2466C>T on transcript NM_006005.3 (MANE Select); coding-DNA position 2466, C replaced by T.
Protein change: p.Leu822=; no amino-acid change (leucine 822 retained).
Molecular consequence: synonymous variant.
Genome position (GRCh38, 1-based): chr4:6,302,261, C>T. VCF-style: chr4-6302261-C-T. GRCh37 (hg19) VCF-style: chr4-6303988-C-T.
Other names: c.2466C>T, p.Leu822= (NM_001145853.1).
Identifiers: ClinVar variation 745408 (VCV000745408.13), dbSNP rs141669724, ClinGen allele CA2839748.